The following is an entry in ClinVar:

ClinVar aggregate classification (germline): Benign (1 of 4 stars; one submission).

Conditions:
Hereditary spastic paraplegia 6 (SPG6). Also called: SPASTIC PARAPLEGIA 6, AUTOSOMAL DOMINANT. Identifiers: Orphanet 100988, MedGen C1838192, MONDO:0010878, OMIM 600363.

Allele frequency attached by ClinVar (database versions not stated): gnomAD 0.00169 and 0.00179; 1000 Genomes Project 0.00180; TOPMed 0.00183; 1000 Genomes Project 30x 0.00203.
gnomAD v4.1: 253 of 152,260 alleles (0.17%); highest among the groups gnomAD compares: African/African-American, 0.59%; no homozygotes.

Submission:

Illumina Laboratory Services, Illumina
Classification: Benign for Hereditary spastic paraplegia 6. Last evaluated: 2018-01-13. Review status: criteria provided, single submitter. Criteria: ICSL Variant Classification Criteria 13 December 2019. Collection method: clinical testing. Allele origin: germline.
Comment: This variant was observed in the ICSL laboratory as part of a predisposition screen in an ostensibly healthy population. It had not been previously curated by ICSL or reported in the Human Gene Mutation Database (HGMD: prior to June 1st, 2018), and was therefore a candidate for classification through an automated scoring system. Utilizing variant allele frequency, disease prevalence and penetrance estimates, and inheritance mode, an automated score was calculated to assess if this variant is too frequent to cause the disease. Based on the score and internal cut-off values, a variant classified as benign is not then subjected to further curation. The score for this variant resulted in a classification of benign for this disease.

NM_144599.5(NIPA1):c.*4964G>A

Gene: NIPA1 (NIPA magnesium transporter 1; plus strand). Cytogenetic location: 15q11.2.
Variant type: single nucleotide variant.
Coding change: c.*4964G>A on transcript NM_144599.5 (MANE Select); 4964 bases downstream of the stop codon, G replaced by A.
Molecular consequence: 3 prime UTR variant.
Genome position (GRCh38, 1-based): chr15:22,829,203, G>A. VCF-style: chr15-22829203-G-A. GRCh37 (hg19) VCF-style: chr15-23043865-C-T.
Other names: c.*4964G>A (NM_001142275.1).
Identifiers: ClinVar variation 315340 (VCV000315340.5), dbSNP rs146129067, ClinGen allele CA10641491.
Genomic context (GRCh38, chr15:22,829,203, plus strand): 5'-TCAGAAAGCCGCACAGAAAGATCACCTTCCGATGGTGTGATGTGCTCCTGACATTCGGCC[G>A]AGGTCTGTATTCTGAAAAAGATTTAATGGCCTGTGAAACACGTGGATTCTGTTGCACTGG-3'